The following is an entry in ClinVar:

NC_000019.9:g.(44015719_44030352)_(44031409_?)dup

Gene: ETHE1 (ETHE1 persulfide dioxygenase; minus strand). Cytogenetic location: 19q13.31.
Variant type: Duplication.
Identifiers: ClinVar variation 1704566 (VCV001704566.1).

ClinVar aggregate classification (germline): Uncertain significance (1 of 4 stars; one submission).

Submission:

Women's Health and Genetics/Laboratory Corporation of America, LabCorp
Classification: Uncertain significance. Last evaluated: 2022-07-08. Review status: criteria provided, single submitter. Criteria: LabCorp Variant Classification Summary - May 2015. Collection method: clinical testing. Allele origin: germline.
Comment: Variant summary: The variant identified by MLPA or other technology involves the duplication of exons 1-3 in the ETHE1 gene. A presumed nomenclature of c.(?_-80)_(375+1_376-1)dup has been designated for the purposes of this classification. It has been assumed that this is a tandem duplication in direct orientation (Richardson_GIM_2018, Newman_AJHG_2015). The exact breakpoint at the 5' end of this variant is unknown and therefore this duplication might extend upstream of the assayed region of the ETHE1 gene. Since the exact breakpoints of this duplication are not known, it is not possible to predict if it causes an in-frame or an out-of-frame product. The variant was absent in 21694 control chromosomes (gnomAD Structural Variants dataset). The available data on variant occurrences in the general population are insufficient to allow any conclusion about variant significance. To our knowledge, no occurrence of c.(?_-80)_(375+1_376-1)dup in individuals affected with Ethylmalonic Encephalopathy and no experimental evidence demonstrating its impact on protein function have been reported. No clinical diagnostic laboratories have submitted clinical-significance assessments for this variant to ClinVar after 2014. Based on the evidence outlined above, the variant was classified as uncertain significance.